The following is an entry in ClinVar:

NM_002519.3(NPAT):c.2741G>A (p.Ser914Asn)

Gene: NPAT (nuclear protein, coactivator of histone transcription; minus strand). Cytogenetic location: 11q22.3.
Variant type: single nucleotide variant.
Coding change: c.2741G>A on transcript NM_002519.3 (MANE Select); coding-DNA position 2741, G replaced by A.
Protein change: p.Ser914Asn; replaces serine 914 with asparagine.
Molecular consequence: missense variant.
Genome position (GRCh38, 1-based): chr11:108,172,243, C>T on the plus strand (G>A on the coding strand, the complement: NPAT is on the minus strand). VCF-style: chr11-108172243-C-T. GRCh37 (hg19) VCF-style: chr11-108042970-C-T.
Other names: c.2741G>A, p.Ser914Asn (NM_001321307.1); short protein forms S914N.
Identifiers: ClinVar variation 1795442 (VCV001795442.2), dbSNP rs2496716160, ClinGen allele CA382512337.

ClinVar aggregate classification (germline): Uncertain significance (1 of 4 stars; one submission).

Submission:

Ambry Genetics
Classification: Uncertain significance. Last evaluated: 2022-10-02. Review status: criteria provided, single submitter. Criteria: Ambry Variant Classification Scheme 2023. Collection method: clinical testing. Allele origin: germline.
Comment: The p.S914N variant (also known as c.2741G>A), located in coding exon 13 of the NPAT gene, results from a G to A substitution at nucleotide position 2741. The serine at codon 914 is replaced by asparagine, an amino acid with highly similar properties. This amino acid position is conserved. In addition, this alteration is predicted to be tolerated by in silico analysis. Since supporting evidence is limited at this time, the clinical significance of this alteration remains unclear.